The following is an entry in ClinVar:

ClinVar aggregate classification (germline): Pathogenic (1 of 4 stars; one submission).

Conditions:
Hereditary breast ovarian cancer syndrome. Also called: Hereditary breast and ovarian cancer syndrome; Hereditary breast and ovarian cancer; Hereditary breast and ovarian cancer syndrome (HBOC); Breast and ovarian cancer; Hereditary breast and/or ovarian cancer syndrome; BRCA1- and BRCA2-Associated Hereditary Breast and Ovarian Cancer. Identifiers: Orphanet 145, MedGen C0677776, MeSH D061325, MONDO:0003582. Disease mechanism: loss of function.

Submission:

Labcorp Genetics (formerly Invitae), Labcorp
Classification: Pathogenic for Hereditary breast ovarian cancer syndrome. Last evaluated: 2024-01-10. Review status: criteria provided, single submitter. Criteria: Invitae Variant Classification Sherloc (09022015). Collection method: clinical testing. Allele origin: unknown.
Comment: This variant is a gross deletion of the genomic region encompassing exon(s) 7 of the BRCA1 gene. This deletion is out-of-frame, and is expected to create a premature termination codon and result in an absent or disrupted protein product. Loss-of-function variants in BRCA1 are known to be pathogenic (PMID: 20104584). A similar copy number variant has been observed in individual(s) with breast and/or ovarian cancer (PMID: 12670888, 18431737, 24013928). This variant is also known as exon 8 deletions. For these reasons, this variant has been classified as Pathogenic.

Literature cited by the submitters: PubMed 20104584; PubMed 12670888; PubMed 18431737; PubMed 24013928.

NC_000017.10:g.(?_41251772)_(41251917_?)del

Gene: BRCA1 (BRCA1 DNA repair associated; minus strand). Cytogenetic location: 17q21.31.
Variant type: Deletion.
Identifiers: ClinVar variation 3242983 (VCV003242983.1).